The following is an entry in ClinVar:

ClinVar aggregate classification (germline): Pathogenic (1 of 4 stars; one submission).

Submission:

Labcorp Genetics (formerly Invitae), Labcorp
Classification: Pathogenic. Last evaluated: 2022-05-05. Review status: criteria provided, single submitter. Criteria: Invitae Variant Classification Sherloc (09022015). Collection method: clinical testing. Allele origin: germline.
Comment: This variant has not been reported in the literature in individuals affected with PHEX-related conditions. For these reasons, this variant has been classified as Pathogenic. This variant is not present in population databases (gnomAD no frequency). This sequence change creates a premature translational stop signal (p.Leu305*) in the PHEX gene. It is expected to result in an absent or disrupted protein product. Loss-of-function variants in PHEX are known to be pathogenic (PMID: 9097956, 9106524, 19219621).

Literature cited by the submitters: PubMed 9097956; PubMed 9106524; PubMed 19219621.

NM_000444.6(PHEX):c.909_912dup (p.Leu305Ter)

Gene: PHEX (phosphate regulating endopeptidase X-linked; plus strand). Cytogenetic location: Xp22.11.
Variant type: Duplication.
Coding change: c.909_912dup on transcript NM_000444.6 (MANE Select); coding-DNA positions 909 to 912, 4 bases duplicated (TGAA; older notation c.909_912dupTGAA).
Protein change: p.Leu305Ter; replaces leucine 305 with a stop codon.
Molecular consequence: nonsense.
Genome position (GRCh38, 1-based): chrX:22,097,014-22,097,017, TGAA duplicated. VCF-style (leftmost placement, unchanged base first): chrX-22097013-C-CTGAA. GRCh37 (hg19) VCF-style: chrX-22115131-C-CTGAA.
Other names: c.909_912dup, p.Leu305Ter (NM_001282754.2); short protein forms L305*.
Identifiers: ClinVar variation 2127954 (VCV002127954.4), dbSNP rs2519775833, ClinGen allele CA2580100484.